The following is an entry in ClinVar:

NM_002017.5(FLI1):c.1304A>G (p.Asn435Ser)

Gene: FLI1 (Fli-1 proto-oncogene, ETS transcription factor; plus strand). Cytogenetic location: 11q24.3.
Variant type: single nucleotide variant.
Coding change: c.1304A>G on transcript NM_002017.5 (MANE Select); coding-DNA position 1304, A replaced by G.
Protein change: p.Asn435Ser; replaces asparagine 435 with serine.
Molecular consequence: missense variant.
Genome position (GRCh38, 1-based): chr11:128,810,933, A>G. VCF-style: chr11-128810933-A-G. GRCh37 (hg19) VCF-style: chr11-128680828-A-G.
Other names: c.1205A>G, p.Asn402Ser (NM_001167681.3); c.1106A>G, p.Asn369Ser (NM_001271010.2); c.725A>G, p.Asn242Ser (NM_001271012.2); short protein forms N242S, N369S, N435S, N402S.
Identifiers: ClinVar variation 2275744 (VCV002275744.3), dbSNP rs1223565660, ClinGen allele CA383239687.

ClinVar aggregate classification (germline): Uncertain significance. Review status: criteria provided, multiple submitters, no conflicts (2 of 4 stars). 2 submissions from 2 submitters: Uncertain significance (2). Last evaluated 2025-09-29.

Conditions:
Inborn genetic diseases. Identifiers: MedGen C0950123, MeSH D030342.

Allele frequency attached by ClinVar (database versions not stated): gnomAD exomes 0.00001.
gnomAD v4.1: 12 of 1,613,820 alleles (0.00074%); highest among the groups gnomAD compares: South Asian, 0.0077%; no homozygotes.

Submissions (2):

Labcorp Genetics (formerly Invitae), Labcorp
Classification: Uncertain significance. Last evaluated: 2025-09-29. Review status: criteria provided, single submitter. Criteria: Invitae Variant Classification Sherloc (09022015). Collection method: clinical testing. Allele origin: germline.
Comment: This sequence change replaces asparagine, which is neutral and polar, with serine, which is neutral and polar, at codon 435 of the FLI1 protein (p.Asn435Ser). This variant is present in population databases (no rsID available, gnomAD 0.003%). This variant has not been reported in the literature in individuals affected with FLI1-related conditions. ClinVar contains an entry for this variant (Variation ID: 2275744). Invitae Evidence Modeling of protein sequence and biophysical properties (such as structural, functional, and spatial information, amino acid conservation, physicochemical variation, residue mobility, and thermodynamic stability) indicates that this missense variant is not expected to disrupt FLI1 protein function with a negative predictive value of 80%. In summary, the available evidence is currently insufficient to determine the role of this variant in disease. Therefore, it has been classified as a Variant of Uncertain Significance.

Ambry Genetics
Classification: Uncertain significance for Inborn genetic diseases. Last evaluated: 2022-05-11. Review status: criteria provided, single submitter. Criteria: Ambry Variant Classification Scheme 2023. Collection method: clinical testing. Allele origin: germline.